The following is an entry in ClinVar:

Multiple alleles

Variant type: CompoundHeterozygote.
Identifiers: ClinVar variation 424720 (VCV000424720.3).

ClinVar aggregate classification (germline): Pathogenic (1 of 4 stars; one submission).

Conditions:
Choanal atresia-hearing loss-cardiac defects-craniofacial dysmorphism syndrome (BMKS). Also called: OCULOOTOFACIAL DYSPLASIA; Burn-McKeown syndrome; Branchio oculo facial syndrome Hing type; Burn-McKeown Syndrome (BMKS). Identifiers: Orphanet 1200, MedGen C1837822, MONDO:0012064, OMIM 608572.

Submission:

Institute of Human Genetics Munich, TUM University Hospital
Classification: Pathogenic for Burn-Mckeown syndrome. Last evaluated: 2014-12-02. Review status: criteria provided, single submitter. Criteria: Submitter's publication. Collection method: research. Allele origin: de novo. Affected: yes. Observed: 1 compound heterozygote.
Comment: NC_000018.9:g.73376178_78077248del4701071 is reported to be of de novo origin, whereas NC_000018.9:77748581_77748614del34 is of maternal origin (PubMed 25434003).